The following is an entry in ClinVar:

NM_015122.3(FCHO1):c.2481C>T (p.Gly827=)

Gene: FCHO1 (FCH and mu domain containing endocytic adaptor 1; plus strand). Cytogenetic location: 19p13.11.
Variant type: single nucleotide variant.
Coding change: c.2481C>T on transcript NM_015122.3 (MANE Select); coding-DNA position 2481, C replaced by T.
Protein change: p.Gly827=; no amino-acid change (glycine 827 retained).
Molecular consequence: synonymous variant. On other transcripts: missense variant (3), non-coding transcript variant (36).
Genome position (GRCh38, 1-based): chr19:17,786,628, C>T. VCF-style: chr19-17786628-C-T. GRCh37 (hg19) VCF-style: chr19-17897437-C-T.
Other names: c.2481C>T, p.Gly827= (NM_001161357.2, NM_001161358.2, NM_001384370.1 and 11 more transcripts); c.2331C>T, p.Gly777= (NM_001161359.2, NM_001384384.1, NM_001384385.1 and 1 more transcripts); c.2460C>T, p.Gly820= (NM_001384387.1); c.2442C>T, p.Gly814= (NM_001384388.1, NM_001384389.1); c.2406C>T, p.Gly802= (NM_001384390.1); c.2281C>T, p.Arg761Trp (NM_001384391.1); c.2364C>T, p.Gly788= (NM_001384392.1, NM_001384393.1, NM_001384394.1 and 1 more transcripts); c.2205C>T, p.Gly735= (NM_001384396.1, NM_001384397.1, NM_001384398.1 and 4 more transcripts); and 5 more; short protein forms R669W, R761W, R619W.
Identifiers: ClinVar variation 1522726 (VCV001522726.4), dbSNP rs751003466, ClinGen allele CA9300894.

ClinVar aggregate classification (germline): Uncertain significance (1 of 4 stars; one submission).

Allele frequency attached by ClinVar (database versions not stated): gnomAD exomes 0.00003 and 0.00006; ExAC 0.00004; gnomAD 0.00004.
gnomAD v4.1: 43 of 748,294 alleles (0.0057%); highest among the groups gnomAD compares: Middle Eastern, 0.029%; no homozygotes.

Submission:

Labcorp Genetics (formerly Invitae), Labcorp
Classification: Uncertain significance. Last evaluated: 2021-12-08. Review status: criteria provided, single submitter. Criteria: Invitae Variant Classification Sherloc (09022015). Collection method: clinical testing. Allele origin: germline.
Comment: In summary, the available evidence is currently insufficient to determine the role of this variant in disease. Therefore, it has been classified as a Variant of Uncertain Significance. Algorithms developed to predict the effect of sequence changes on RNA splicing suggest that this variant may disrupt the consensus splice site. This variant has not been reported in the literature in individuals affected with FCHO1-related conditions. This variant is present in population databases (rs751003466, gnomAD 0.01%). This sequence change affects codon 827 of the FCHO1 mRNA. It is a 'silent' change, meaning that it does not change the encoded amino acid sequence of the FCHO1 protein. It affects a nucleotide within the consensus splice site.